The following is an entry in ClinVar:

NM_000094.4(COL7A1):c.4721G>A (p.Arg1574Gln)

Gene: COL7A1 (collagen type VII alpha 1 chain; minus strand). Cytogenetic location: 3p21.31.
Variant type: single nucleotide variant.
Coding change: c.4721G>A on transcript NM_000094.4 (MANE Select); coding-DNA position 4721, G replaced by A.
Protein change: p.Arg1574Gln; replaces arginine 1574 with glutamine.
Molecular consequence: missense variant.
Genome position (GRCh38, 1-based): chr3:48,581,707, C>T on the plus strand (G>A on the coding strand, the complement: COL7A1 is on the minus strand). VCF-style: chr3-48581707-C-T. GRCh37 (hg19) VCF-style: chr3-48619140-C-T.
Other names: short protein forms R1574Q.
Identifiers: ClinVar variation 2158874 (VCV002158874.4), dbSNP rs550333338, ClinGen allele CA2379883.

ClinVar aggregate classification (germline): Conflicting classifications of pathogenicity. Review status: criteria provided, conflicting classifications (1 of 4 stars). 2 submissions from 2 submitters: Uncertain significance (1); Likely benign (1). Last evaluated 2025-01-12.

Conditions:
Inborn genetic diseases. Identifiers: MedGen C0950123, MeSH D030342.

Allele frequency attached by ClinVar (database versions not stated): ExAC 0.00003.
gnomAD v4.1: 33 of 1,613,958 alleles (0.002%); highest among the groups gnomAD compares: Non-Finnish European, 0.0025%; no homozygotes.

Submissions (2):

Labcorp Genetics (formerly Invitae), Labcorp
Classification: Uncertain significance. Last evaluated: 2025-01-12. Review status: criteria provided, single submitter. Criteria: Invitae Variant Classification Sherloc (09022015). Collection method: clinical testing. Allele origin: germline.
Comment: This sequence change replaces arginine, which is basic and polar, with glutamine, which is neutral and polar, at codon 1574 of the COL7A1 protein (p.Arg1574Gln). This variant is present in population databases (rs550333338, gnomAD 0.006%). This variant has not been reported in the literature in individuals affected with COL7A1-related conditions. ClinVar contains an entry for this variant (Variation ID: 2158874). An algorithm developed to predict the effect of missense changes on protein structure and function outputs the following: PolyPhen-2: "Not Available". The glutamine amino acid residue is found in multiple mammalian species, which suggests that this missense change does not adversely affect protein function. In summary, the available evidence is currently insufficient to determine the role of this variant in disease. Therefore, it has been classified as a Variant of Uncertain Significance.

Ambry Genetics
Classification: Likely benign for Inborn genetic diseases. Last evaluated: 2023-12-27. Review status: criteria provided, single submitter. Criteria: Ambry Variant Classification Scheme 2023. Collection method: clinical testing. Allele origin: germline.